The following is an entry in ClinVar:

ClinVar aggregate classification (germline): Pathogenic. Review status: reviewed by expert panel (3 of 4 stars). 9 submissions from 8 submitters: Pathogenic (1). 8 of the submissions do not count toward it. Last evaluated 2016-10-18.

Conditions:
Hereditary cancer-predisposing syndrome. Also called: Hereditary neoplastic syndrome; Neoplastic Syndromes, Hereditary; Hereditary Cancer Syndrome; Tumor predisposition. Identifiers: Orphanet 140162, MedGen C0027672, MeSH D009386, MONDO:0015356.
Ovarian neoplasm. Also called: Neoplasm of ovary; Ovarian tumor; Ovarian Neoplasms. Identifiers: MedGen C0919267, MeSH D010051, MONDO:0021068, HP:0100615.
Breast-ovarian cancer, familial, susceptibility to, 2 (BROVCA2). Also called: BRCA2 Hereditary Breast and Ovarian Cancer. Identifiers: Orphanet 145, MedGen C2675520, MONDO:0012933, OMIM 612555. Disease mechanism: loss of function.
Familial cancer of breast. Also called: hereditary breast carcinoma; BREAST CANCER, FAMILIAL; Hereditary breast cancer. Identifiers: Orphanet 227535, MedGen C0346153, MONDO:0016419, OMIM 114480. Disease mechanism: loss of function.

Submissions (9):

Evidence-based Network for the Interpretation of Germline Mutant Alleles (ENIGMA)
Classification: Pathogenic for Breast-ovarian cancer, familial, susceptibility to, 2. Last evaluated: 2016-10-18. Review status: reviewed by expert panel. Criteria: ENIGMA BRCA1/2 Classification Criteria (2015). Collection method: curation. Allele origin: germline.
Comment: Variant allele predicted to encode a truncated non-functional protein.

Department of Clinical Genetics, Copenhagen University Hospital, Rigshospitalet
Classification: Pathogenic for Familial cancer of breast. Last evaluated: 2025-12-10. Review status: criteria provided, single submitter. Criteria: ACMG Guidelines, 2015. Collection method: clinical testing. Allele origin: germline. Not counted in ClinVar's aggregate classification.
Comment: The following ACMG criteria has been used: PM2_SUP; PVS1; PM5_Strong (PTC)

Institute of Human Genetics, University of Leipzig Medical Center
Classification: Pathogenic for Breast-ovarian cancer, familial, susceptibility to, 2. Last evaluated: 2025-11-05. Review status: criteria provided, single submitter. Criteria: ACMG Guidelines, 2015. Collection method: clinical testing. Allele origin: maternal. Inheritance: Autosomal dominant inheritance. Affected: yes. Not counted in ClinVar's aggregate classification.
Comment: Criteria applied: PVS1,PM5_STR,PM2_SUP

Center for Genomic Medicine, Rigshospitalet, Copenhagen University Hospital
Classification: Pathogenic. Last evaluated: 2025-03-04. Review status: criteria provided, single submitter. Criteria: ACMG Guidelines, 2015. Collection method: clinical testing. Allele origin: germline. Not counted in ClinVar's aggregate classification.

Institute for Clinical Genetics, University Hospital TU Dresden, University Hospital TU Dresden
Classification: Pathogenic. Last evaluated: 2021-11-03. Review status: criteria provided, single submitter. Criteria: ACMG Guidelines, 2015. Collection method: clinical testing. Allele origin: germline. Not counted in ClinVar's aggregate classification.

Institute of Human Genetics, University of Leipzig Medical Center
Classification: Pathogenic for Familial cancer of breast. Last evaluated: 2019-01-01. Review status: criteria provided, single submitter. Criteria: ACMG Guidelines, 2015. Collection method: clinical testing. Allele origin: unknown. Affected: yes. Not counted in ClinVar's aggregate classification.

Ambry Genetics
Classification: Pathogenic for Hereditary cancer-predisposing syndrome. Last evaluated: 2018-12-26. Review status: criteria provided, single submitter. Criteria: Ambry Variant Classification Scheme 2023. Collection method: clinical testing. Allele origin: germline. Not counted in ClinVar's aggregate classification.
Comment: The c.1805delG pathogenic mutation, located in coding exon 9 of the BRCA2 gene, results from a deletion of one nucleotide at nucleotide position 1805, causing a translational frameshift with a predicted alternate stop codon (p.G602Efs*12). This mutation was observed in a Danish breast and ovarian cancer family (Hansen TV et al. Fam. Cancer 2011 Jun;10:207-12), and in a cohort of German patients considered to be at increased risk for HBOC syndrome (Meisel C et al. Arch. Gynecol. Obstet. 2017 May;295:1227-1238). In addition to the clinical data presented in the literature, this alteration is expected to result in loss of function by premature protein truncation or nonsense-mediated mRNA decay. As such, this alteration is interpreted as a disease-causing mutation.

Consortium of Investigators of Modifiers of BRCA1/2 (CIMBA), c/o University of Cambridge
Classification: Pathogenic for Breast-ovarian cancer, familial, susceptibility to, 2. Last evaluated: 2015-10-02. Review status: criteria provided, single submitter. Criteria: CIMBA Mutation Classification guidelines May 2016. Collection method: clinical testing. Allele origin: germline. Not counted in ClinVar's aggregate classification.

German Consortium for Hereditary Breast and Ovarian Cancer, University Hospital Cologne
Classification: Pathogenic for Ovarian neoplasm. Last evaluated: 2018-12-01. Review status: no assertion criteria provided. Collection method: research. Allele origin: germline. Affected: yes. Not counted in ClinVar's aggregate classification.

Literature cited by the submitters: PubMed 21318380 (cited by 3 submitters); PubMed 28324225 (cited by Ambry Genetics).

NM_000059.4(BRCA2):c.1805del (p.Gly602fs)

Gene: BRCA2 (BRCA2 DNA repair associated; plus strand). Cytogenetic location: 13q13.1.
Variant type: Deletion.
Coding change: c.1805del on transcript NM_000059.4 (MANE Select); coding-DNA position 1805, one base deleted (G; older notation c.1805delG).
Protein change: p.Gly602fs; shifts the reading frame from glycine 602.
Molecular consequence: frameshift variant.
Genome position (GRCh38, 1-based): chr13:32,333,283, G deleted; the last of 2 consecutive G bases (chr13:32,333,282-32,333,283); deleting either gives the same sequence. VCF-style (leftmost placement, unchanged base first): chr13-32333281-AG-A. GRCh37 (hg19) VCF-style: chr13-32907418-AG-A.
Other names: 2033delG; c.1805delG (NM_000059.3).
Identifiers: ClinVar variation 51201 (VCV000051201.20), dbSNP rs397507608, ClinGen allele CA013339.